The following is an entry in ClinVar:

ClinVar aggregate classification (germline): Likely benign. Review status: criteria provided, multiple submitters, no conflicts (2 of 4 stars). 3 submissions from 3 submitters: Likely benign (3). Last evaluated 2026-06-01.

Conditions:
Developmental and epileptic encephalopathy, 18 (DEE18). Also called: Early infantile epileptic encephalopathy 18. Identifiers: Orphanet 369894, MedGen C3809624, MONDO:0014201, OMIM 615476.

Allele frequency attached by ClinVar (database versions not stated): gnomAD exomes below 0.00001; gnomAD 0.00001; TOPMed 0.00001.
gnomAD v4.1: 3 of 1,614,052 alleles (0.00019%); highest among the groups gnomAD compares: Admixed American, 0.0033%; no homozygotes.

Submissions (3):

CeGaT Center for Human Genetics Tuebingen
Classification: Likely benign. Last evaluated: 2026-06-01. Review status: criteria provided, single submitter. Criteria: CeGaT Center For Human Genetics Tuebingen Variant Classification Criteria Version 2. Collection method: clinical testing. Allele origin: germline. Affected: yes. Observed: 2 variant alleles.
Comment: SZT2: BP4, BP7

Labcorp Genetics (formerly Invitae), Labcorp
Classification: Likely benign. Last evaluated: 2025-04-02. Review status: criteria provided, single submitter. Criteria: Invitae Variant Classification Sherloc (09022015). Collection method: clinical testing. Allele origin: germline.

Genome-Nilou Lab
Classification: Likely benign for Developmental and epileptic encephalopathy, 18. Last evaluated: 2023-04-11. Review status: criteria provided, single submitter. Criteria: ACMG Guidelines, 2015. Collection method: clinical testing. Allele origin: germline. Affected: no.

NM_001365999.1(SZT2):c.8280C>T (p.Asp2760=)

Gene: SZT2 (SZT2 subunit of KICSTOR complex; plus strand). Cytogenetic location: 1p34.2.
Variant type: single nucleotide variant.
Coding change: c.8280C>T on transcript NM_001365999.1 (MANE Select); coding-DNA position 8280, C replaced by T.
Protein change: p.Asp2760=; no amino-acid change (aspartic acid 2760 retained).
Molecular consequence: synonymous variant.
Genome position (GRCh38, 1-based): chr1:43,442,947, C>T. VCF-style: chr1-43442947-C-T. GRCh37 (hg19) VCF-style: chr1-43908618-C-T.
Other names: c.8109C>T, p.Asp2703= (NM_015284.4).
Identifiers: ClinVar variation 1610669 (VCV001610669.32), dbSNP rs1186640842, ClinGen allele CA417551112.